The following is an entry in ClinVar:

NM_001267550.2(TTN):c.92336G>C (p.Arg30779Thr)

Genes: TTN (titin; minus strand), TTN-AS1 (TTN antisense RNA 1; plus strand). Cytogenetic location: 2q31.2.
Variant type: single nucleotide variant.
Coding change: c.92336G>C on transcript NM_001267550.2 (MANE Select); coding-DNA position 92336, G replaced by C.
Protein change: p.Arg30779Thr; replaces arginine 30779 with threonine.
Molecular consequence: missense variant.
Genome position (GRCh38, 1-based): chr2:178,549,290, C>G on the plus strand (G>C on the coding strand, the complement: TTN is on the minus strand). VCF-style: chr2-178549290-C-G. GRCh37 (hg19) VCF-style: chr2-179414017-C-G.
Other names: c.87413G>C, p.Arg29138Thr (NM_001256850.1); c.65141G>C, p.Arg21714Thr (NM_003319.4); c.84632G>C, p.Arg28211Thr (NM_133378.4); c.65516G>C, p.Arg21839Thr (NM_133432.3); c.65717G>C, p.Arg21906Thr (NM_133437.4); short protein forms R28211T, R29138T, R30779T, R21839T, R21714T, R21906T.
Identifiers: ClinVar variation 894366 (VCV000894366.6), dbSNP rs1289817129, ClinGen allele CA349493644.

ClinVar aggregate classification (germline): Uncertain significance. Review status: criteria provided, multiple submitters, no conflicts (2 of 4 stars). 7 submissions from 3 submitters: Uncertain significance (7). Last evaluated 2025-06-17.

Conditions:
Myopathy, myofibrillar, 9, with early respiratory failure (MFM9). Also called: Myopathy, distal, with early respiratory failure, autosomal dominant; Hereditary myopathy with early respiratory failure; EDSTROM MYOPATHY; MYOPATHY, PROXIMAL, WITH EARLY RESPIRATORY MUSCLE INVOLVEMENT. Identifiers: Orphanet 178464, Orphanet 34521, MedGen C1863599, MONDO:0011362, OMIM 603689.
TTN-related disorder. Also called: TTN-related condition; TTN-related disease; TTN-related disorders.
Autosomal recessive limb-girdle muscular dystrophy type 2J (LGMDR10). Also called: MUSCULAR DYSTROPHY, LIMB-GIRDLE, AUTOSOMAL RECESSIVE 10; Limb-girdle muscular dystrophy, type 2J. Identifiers: Orphanet 140922, MedGen C1837342, MONDO:0012127, OMIM 608807.
Tibial muscular dystrophy (TMD). Also called: UDD MYOPATHY; Udd Distal Myopathy – Tibial Muscular Dystrophy; Tibial muscular dystrophy, tardive. Identifiers: Orphanet 609, MedGen C1838244, MONDO:0010870, OMIM 600334.
Early-onset myopathy with fatal cardiomyopathy (CMYO5). Also called: CONGENITAL MYOPATHY 5 WITH CARDIOMYOPATHY; Salih Myopathy. Identifiers: Orphanet 289377, MedGen C2673677, MONDO:0012714, OMIM 611705. Disease mechanism: loss of function.
Dilated cardiomyopathy 1G (CMD1G). Identifiers: Orphanet 154, MedGen C1858763, MONDO:0011400, OMIM 604145.

Allele frequency attached by ClinVar (database versions not stated): gnomAD exomes below 0.00001; TOPMed below 0.00001.
gnomAD v4.1: 2 of 1,613,942 alleles (0.00012%); highest among the groups gnomAD compares: East Asian, 0.0045%; no homozygotes.

Submissions (7):

PreventionGenetics, part of Exact Sciences
Classification: Uncertain significance for TTN-related condition. Last evaluated: 2025-06-17. Review status: criteria provided, single submitter. Criteria: ACMG Guidelines, 2015. Collection method: clinical testing. Allele origin: germline.
Comment: The TTN c.92336G>C variant is predicted to result in the amino acid substitution p.Arg30779Thr. To our knowledge, this variant has not been reported in the literature or in a large population database (gnomAD), indicating this variant is rare. At this time, the clinical significance of this variant is uncertain due to the absence of conclusive functional and genetic evidence.

Blueprint Genetics
Classification: Uncertain significance. Last evaluated: 2019-10-09. Review status: criteria provided, single submitter. Criteria: ACMG Guidelines, 2015. Collection method: clinical testing. Allele origin: germline.

Illumina Laboratory Services, Illumina
Classification: Uncertain significance for Dilated cardiomyopathy 1G. Last evaluated: 2018-01-12. Review status: criteria provided, single submitter. Criteria: ICSL Variant Classification Criteria 13 December 2019. Collection method: clinical testing. Allele origin: germline.

Illumina Laboratory Services, Illumina
Classification: Uncertain significance for Myopathy, myofibrillar, 9, with early respiratory failure. Last evaluated: 2018-01-12. Review status: criteria provided, single submitter. Criteria: ICSL Variant Classification Criteria 13 December 2019. Collection method: clinical testing. Allele origin: germline.

Illumina Laboratory Services, Illumina
Classification: Uncertain significance for Early-onset myopathy with fatal cardiomyopathy. Last evaluated: 2018-01-12. Review status: criteria provided, single submitter. Criteria: ICSL Variant Classification Criteria 13 December 2019. Collection method: clinical testing. Allele origin: germline.

Illumina Laboratory Services, Illumina
Classification: Uncertain significance for Tibial muscular dystrophy. Last evaluated: 2018-01-12. Review status: criteria provided, single submitter. Criteria: ICSL Variant Classification Criteria 13 December 2019. Collection method: clinical testing. Allele origin: germline.

Illumina Laboratory Services, Illumina
Classification: Uncertain significance for Autosomal recessive limb-girdle muscular dystrophy type 2J. Last evaluated: 2018-01-12. Review status: criteria provided, single submitter. Criteria: ICSL Variant Classification Criteria 13 December 2019. Collection method: clinical testing. Allele origin: germline.